The following is an entry in ClinVar:

NM_024675.4(PALB2):c.329G>C (p.Gly110Ala)

Gene: PALB2 (partner and localizer of BRCA2; minus strand). Cytogenetic location: 16p12.2.
Variant type: single nucleotide variant.
Coding change: c.329G>C on transcript NM_024675.4 (MANE Select); coding-DNA position 329, G replaced by C.
Protein change: p.Gly110Ala; replaces glycine 110 with alanine.
Molecular consequence: missense variant.
Genome position (GRCh38, 1-based): chr16:23,636,217, C>G on the plus strand (G>C on the coding strand, the complement: PALB2 is on the minus strand). VCF-style: chr16-23636217-C-G. GRCh37 (hg19) VCF-style: chr16-23647538-C-G.
Other names: short protein forms G110A.
Identifiers: ClinVar variation 628066 (VCV000628066.10), dbSNP rs1341395298, ClinGen allele CA395137815.
Genomic context (GRCh38, chr16:23,636,217, plus strand): 5'-TGGGGAAAATGTTCTTGGGTGTCATCTGTTCTTTGTATAGGTAATCCTCCTGGGCCATCT[C>G]CAGGGTTAAAGGACTCAGGCCCAACATCAAGTGTGATAGATGTCTTTTCTCCAGTTTCTT-3'
Protein context (NP_078951.2, residues 100-120): LDVGPESFNP[Gly110Ala]DGPGGLPIQR

ClinVar aggregate classification (germline): Uncertain significance. Review status: criteria provided, multiple submitters, no conflicts (2 of 4 stars). 3 submissions from 3 submitters: Uncertain significance (3). Last evaluated 2023-12-05.

Conditions:
Hereditary cancer-predisposing syndrome. Also called: Neoplastic Syndromes, Hereditary; Tumor predisposition; Hereditary neoplastic syndrome; Hereditary Cancer Syndrome. Identifiers: Orphanet 140162, MedGen C0027672, MeSH D009386, MONDO:0015356.
Familial cancer of breast. Also called: BREAST CANCER, FAMILIAL; Hereditary breast cancer; hereditary breast carcinoma. Identifiers: Orphanet 227535, MedGen C0346153, MONDO:0016419, OMIM 114480. Disease mechanism: loss of function.

Submissions (3):

Color Diagnostics, LLC DBA Color Health
Classification: Uncertain significance for Hereditary cancer-predisposing syndrome. Last evaluated: 2023-12-05. Review status: criteria provided, single submitter. Criteria: ACMG Guidelines, 2015. Collection method: clinical testing. Allele origin: germline.
Comment: This missense variant replaces glycine with alanine at codon 110 of the PALB2 protein. Computational prediction suggests that this variant may not impact protein structure and function (internally defined REVEL score threshold <= 0.5, PMID: 27666373). To our knowledge, functional studies have not been reported for this variant. This variant has not been reported in individuals affected with PALB2-related disorders in the literature. This variant has not been identified in the general population by the Genome Aggregation Database (gnomAD). The available evidence is insufficient to determine the role of this variant in disease conclusively. Therefore, this variant is classified as a Variant of Uncertain Significance.

Labcorp Genetics (formerly Invitae), Labcorp
Classification: Uncertain significance for Familial cancer of breast. Last evaluated: 2023-09-29. Review status: criteria provided, single submitter. Criteria: Invitae Variant Classification Sherloc (09022015). Collection method: clinical testing. Allele origin: germline.
Comment: This sequence change replaces glycine, which is neutral and non-polar, with alanine, which is neutral and non-polar, at codon 110 of the PALB2 protein (p.Gly110Ala). This variant is not present in population databases (gnomAD no frequency). This variant has not been reported in the literature in individuals affected with PALB2-related conditions. ClinVar contains an entry for this variant (Variation ID: 628066). An algorithm developed to predict the effect of missense changes on protein structure and function (PolyPhen-2) suggests that this variant is likely to be disruptive. In summary, the available evidence is currently insufficient to determine the role of this variant in disease. Therefore, it has been classified as a Variant of Uncertain Significance.

Ambry Genetics
Classification: Uncertain significance for Hereditary cancer-predisposing syndrome. Last evaluated: 2022-11-11. Review status: criteria provided, single submitter. Criteria: Ambry Variant Classification Scheme 2023. Collection method: clinical testing. Allele origin: germline.
Comment: The p.G110A variant (also known as c.329G>C), located in coding exon 4 of the PALB2 gene, results from a G to C substitution at nucleotide position 329. The glycine at codon 110 is replaced by alanine, an amino acid with similar properties. This amino acid position is conserved. In addition, this alteration is predicted to be tolerated by in silico analysis. Since supporting evidence is limited at this time, the clinical significance of this alteration remains unclear.